The following is an entry in ClinVar:

ClinVar aggregate classification (germline): Uncertain significance. Review status: criteria provided, multiple submitters, no conflicts (2 of 4 stars). 2 submissions from 2 submitters: Uncertain significance (2). Last evaluated 2025-11-08.

Conditions:
Inborn genetic diseases. Identifiers: MedGen C0950123, MeSH D030342.
Immunodeficiency 14 (IMD14A). Also called: p110-DELTA-ACTIVATING MUTATION CAUSING SENESCENT T CELLS, LYMPHADENOPATHY, AND IMMUNODEFICIENCY; Activated PI3K Delta Syndrome Type 1 (APDS1); IMMUNODEFICIENCY 14A WITH LYMPHOPROLIFERATION, AUTOSOMAL DOMINANT; ACTIVATED PI3K-DELTA SYNDROME 1. Identifiers: Orphanet 397596, Orphanet 693661, MedGen C5907821, MONDO:0014222, OMIM 615513.

Allele frequency attached by ClinVar (database versions not stated): ESP Exome Variant Server 0.00008; gnomAD exomes below 0.00001 and 0.00001; TOPMed 0.00001.
gnomAD v4.1: 11 of 1,612,710 alleles (0.00068%); highest among the groups gnomAD compares: East Asian, 0.0022%; no homozygotes.

Submissions (2):

Ambry Genetics
Classification: Uncertain significance for Inborn genetic diseases. Last evaluated: 2025-11-08. Review status: criteria provided, single submitter. Criteria: Ambry Variant Classification Scheme 2023. Collection method: clinical testing. Allele origin: germline.

Labcorp Genetics (formerly Invitae), Labcorp
Classification: Uncertain significance for Activated PI3K-delta syndrome. Last evaluated: 2025-05-27. Review status: criteria provided, single submitter. Criteria: Invitae Variant Classification Sherloc (09022015). Collection method: clinical testing. Allele origin: germline.
Comment: This sequence change replaces arginine, which is basic and polar, with histidine, which is basic and polar, at codon 386 of the PIK3CD protein (p.Arg386His). The frequency data for this variant in the population databases is considered unreliable, as metrics indicate poor data quality at this position in the gnomAD database. This variant has not been reported in the literature in individuals affected with PIK3CD-related conditions. ClinVar contains an entry for this variant (Variation ID: 862071). Invitae Evidence Modeling of protein sequence and biophysical properties (such as structural, functional, and spatial information, amino acid conservation, physicochemical variation, residue mobility, and thermodynamic stability) indicates that this missense variant is expected to disrupt PIK3CD protein function with a positive predictive value of 80%. In summary, the available evidence is currently insufficient to determine the role of this variant in disease. Therefore, it has been classified as a Variant of Uncertain Significance.

NM_005026.5(PIK3CD):c.1157G>A (p.Arg386His)

Genes: PIK3CD (phosphatidylinositol-4,5-bisphosphate 3-kinase catalytic subunit delta; plus strand), LOC126805612 (MED14-independent group 3 enhancer GRCh37_chr1:9778914-9780113; plus strand). Cytogenetic location: 1p36.22.
Variant type: single nucleotide variant.
Coding change: c.1157G>A on transcript NM_005026.5 (MANE Select); coding-DNA position 1157, G replaced by A.
Protein change: p.Arg386His; replaces arginine 386 with histidine.
Molecular consequence: missense variant.
Genome position (GRCh38, 1-based): chr1:9,718,830, G>A. VCF-style: chr1-9718830-G-A. GRCh37 (hg19) VCF-style: chr1-9778888-G-A.
Other names: c.1157G>A, p.Arg386His (NM_001350234.2); c.1070G>A, p.Arg357His (NM_001350235.1); short protein forms R386H, R357H.
Identifiers: ClinVar variation 862071 (VCV000862071.11), dbSNP rs373591202, ClinGen allele CA17777699.
Genomic context (GRCh38, chr1:9,718,830, plus strand): 5'-GCTCGGAGCCCGTGTGGAAGCAGCGGCTGGAGTTCGACATCAACATCTGCGACCTGCCCC[G>A]CATGGCCCGTCTCTGCTTTGCGCTGTACGCCGTGATCGAGAAAGCCAAGAAGGCTCGCTC-3'
Protein context (NP_005017.3, residues 376-396): EFDINICDLP[Arg386His]MARLCFALYA